The following is an entry in ClinVar:

ClinVar aggregate classification (germline): Conflicting classifications of pathogenicity. Review status: criteria provided, conflicting classifications (1 of 4 stars). 12 submissions from 11 submitters: Uncertain significance (2); Benign (1); Likely benign (8). 1 of the submissions does not count toward it. Last evaluated 2026-05-12.

Conditions:
Hereditary cancer-predisposing syndrome. Also called: Hereditary Cancer Syndrome; Tumor predisposition; Hereditary neoplastic syndrome; Neoplastic Syndromes, Hereditary. Identifiers: Orphanet 140162, MedGen C0027672, MeSH D009386, MONDO:0015356.
Hereditary breast ovarian cancer syndrome. Also called: Hereditary breast and ovarian cancer syndrome (HBOC); Breast and ovarian cancer; Hereditary breast and/or ovarian cancer syndrome; BRCA1- and BRCA2-Associated Hereditary Breast and Ovarian Cancer; Hereditary breast and ovarian cancer syndrome; Hereditary breast and ovarian cancer. Identifiers: Orphanet 145, MedGen C0677776, MeSH D061325, MONDO:0003582. Disease mechanism: loss of function.
Breast-ovarian cancer, familial, susceptibility to, 2 (BROVCA2). Also called: BRCA2 Hereditary Breast and Ovarian Cancer. Identifiers: Orphanet 145, MedGen C2675520, MONDO:0012933, OMIM 612555. Disease mechanism: loss of function.
Fanconi anemia complementation group D1. Also called: BRCA2-Related Fanconi Anemia. Identifiers: Orphanet 319462, MedGen C1838457, MONDO:0011584, OMIM 605724.
Malignant tumor of breast. Also called: Malignant breast neoplasm; Cancer breast. Identifiers: MedGen C0006142, MONDO:0007254. Disease mechanism: loss of function.

Allele frequency attached by ClinVar (database versions not stated): gnomAD exomes 0.00002 and 0.00006; gnomAD 0.00003 and 0.00004; TOPMed 0.00004; ExAC 0.00005.
gnomAD v4.1: 89 of 1,604,672 alleles (0.0055%); highest among the groups gnomAD compares: Non-Finnish European, 0.0069%; no homozygotes.

Submissions (12):

Women's Health and Genetics/Laboratory Corporation of America, LabCorp
Classification: Likely benign. Last evaluated: 2026-05-12. Review status: criteria provided, single submitter. Criteria: LabCorp Variant Classification Summary - May 2015. Collection method: clinical testing. Allele origin: germline.
Comment: Variant summary: BRCA2 c.316+13A>G alters a nucleotide located at a position not widely known to affect splicing. Consensus agreement among computation tools predict no significant impact on normal splicing. However, these predictions have yet to be confirmed by functional studies. The variant allele was found at a frequency of 2.4e-05 in 247610 control chromosomes. The available data on variant occurrences in the general population are insufficient to allow any conclusion about variant significance. c.316+13A>G has been observed in individual(s) affected with Hereditary Breast And Ovarian Cancer Syndrome (Caux_Moncoutier_2011). These report(s) do not provide unequivocal conclusions about association of the variant with Hereditary Breast And Ovarian Cancer Syndrome. To our knowledge, no experimental evidence demonstrating an impact on protein function has been reported. The following publication has been ascertained in the context of this evaluation (PMID: 21120943). ClinVar contains an entry for this variant (Variation ID: 236846). Based on the evidence outlined above, the variant was classified as likely benign.

Labcorp Genetics (formerly Invitae), Labcorp
Classification: Likely benign for Hereditary breast ovarian cancer syndrome. Last evaluated: 2026-01-16. Review status: criteria provided, single submitter. Criteria: Invitae Variant Classification Sherloc (09022015). Collection method: clinical testing. Allele origin: germline.

Mayo Clinic Laboratories, Mayo Clinic
Classification: Likely benign. Last evaluated: 2025-06-09. Review status: criteria provided, single submitter. Criteria: ACMG Guidelines, 2015. Collection method: clinical testing. Allele origin: germline. Observed: 1 variant allele.
Comment: BS1_supporting, BP4, BP7

Catlab - Consorci Sanitari de Terrassa
Classification: Likely benign for Hereditary cancer-predisposing syndrome. Last evaluated: 2025-03-31. Review status: criteria provided, single submitter. Criteria: ClinGen BRCA1BRCA2 ACMG Specifications BRCA2 V1.2.0. Collection method: clinical testing. Allele origin: germline.
Comment: Based on currently available information, this variant should be considered as Likely Benign according to ClinGen-BRCA1 v1.2.0 guidelines. BP4, BP7.

Blueprint Genetics
Classification: Likely benign. Last evaluated: 2023-04-26. Review status: criteria provided, single submitter. Criteria: ACMG Guidelines, 2015. Collection method: clinical testing. Allele origin: germline.

Sema4
Classification: Likely benign for Hereditary cancer-predisposing syndrome. Last evaluated: 2021-04-13. Review status: criteria provided, single submitter. Criteria: Sema4 Curation Guidelines. Collection method: curation. Allele origin: germline.

Illumina Laboratory Services, Illumina
Classification: Uncertain significance for Fanconi anemia complementation group D1. Last evaluated: 2018-01-12. Review status: criteria provided, single submitter. Criteria: ICSL Variant Classification Criteria 13 December 2019. Collection method: clinical testing. Allele origin: germline.

Illumina Laboratory Services, Illumina
Classification: Uncertain significance for Breast-ovarian cancer, familial, susceptibility to, 2. Last evaluated: 2018-01-12. Review status: criteria provided, single submitter. Criteria: ICSL Variant Classification Criteria 13 December 2019. Collection method: clinical testing. Allele origin: germline.

PreventionGenetics, part of Exact Sciences
Classification: Likely benign. Last evaluated: 2017-10-27. Review status: criteria provided, single submitter. Criteria: ACMG Guidelines, 2015. Collection method: clinical testing. Allele origin: germline.

Color Diagnostics, LLC DBA Color Health
Classification: Likely benign for Hereditary cancer-predisposing syndrome. Last evaluated: 2016-04-22. Review status: criteria provided, single submitter. Criteria: ACMG Guidelines, 2015. Collection method: clinical testing. Allele origin: germline.

GeneDx
Classification: Benign. Last evaluated: 2015-09-15. Review status: criteria provided, single submitter. Criteria: GeneDx Variant Classification (06012015). Collection method: clinical testing. Allele origin: germline. Affected: yes.
Comment: This variant is considered likely benign or benign based on one or more of the following criteria: it is a conservative change, it occurs at a poorly conserved position in the protein, it is predicted to be benign by multiple in silico algorithms, and/or has population frequency not consistent with disease.

Department of Pathology and Laboratory Medicine, Sinai Health System
Classification: Uncertain significance for Malignant tumor of breast. Review status: no assertion criteria provided. Collection method: clinical testing. Allele origin: unknown. Affected: yes. Observed: 1 variant allele. Study: The Canadian Open Genetics Repository (COGR). Not counted in ClinVar's aggregate classification.
Comment: The BRCA2 c.316+13A>G variant was identified in 1 of 3050 proband chromosomes (frequency: 0.0003) from individuals or families with a history of breast (including male), colon, or ovarian cancer (Caux-Moncoutier 2011). The variant was also identified in dbSNP (ID: rs773097109) as "With other allele", ClinVar (classified as benign by GeneDx; as likely benign by Invitae, Color, and Prevention Genetics; and as uncertain significance by Illumina Clinical Services Laboratory and Integrated Genetics/Laboratory Corporation of America), and in UMD-LSDB (14x as unclassified variant). The variant was not identified in LOVD 3.0. The variant was identified in control databases in 7 of 274246 chromosomes at a frequency of 0.00003 (Genome Aggregation Database Feb 27, 2017). The variant was observed in the following populations: African in 1 of 23628 chromosomes (freq: 0.00004) and European in 6 of 124828 chromosomes (freq: 0.00005), while the variant was not observed in the Other, Latino, Ashkenazi Jewish, East Asian, Finnish, or South Asian populations. The variant occurs outside of the splicing consensus sequence and 1 of 5 in silico or computational prediction software programs (SpliceSiteFinder, MaxEntScan, NNSPLICE, GeneSplicer, Human Splicing Finder) predicts a greater than 10% difference in splicing; this is not very predictive of pathogenicity. In summary, based on the above information, the clinical significance of this variant cannot be determined with certainty at this time. This variant is classified as a variant of uncertain significance.

Literature cited by the submitters: PubMed 21120943 (cited by Women's Health and Genetics/Laboratory Corporation of America, LabCorp).

NM_000059.4(BRCA2):c.316+13A>G

Gene: BRCA2 (BRCA2 DNA repair associated; plus strand). Cytogenetic location: 13q13.1.
Variant type: single nucleotide variant.
Coding change: c.316+13A>G on transcript NM_000059.4 (MANE Select); 13 bases into the intron after coding-DNA position 316, A replaced by G.
Molecular consequence: intron variant.
Genome position (GRCh38, 1-based): chr13:32,319,338, A>G. VCF-style: chr13-32319338-A-G. GRCh37 (hg19) VCF-style: chr13-32893475-A-G.
Other names: p.?.
Identifiers: ClinVar variation 236846 (VCV000236846.28), dbSNP rs773097109, ClinGen allele CA6940341.